The following is an entry in ClinVar:

NC_012920.1(MT-ND1):m.3793T>C

Gene: MT-ND1 (mitochondrially encoded NADH dehydrogenase 1; plus strand).
Variant type: single nucleotide variant.
Genome position: chrM-3793-T-C.
Identifiers: ClinVar variation 692401 (VCV000692401.1), dbSNP rs1603219148, ClinGen allele CA414773521.

ClinVar aggregate classification (germline): Uncertain significance (1 of 4 stars; one submission).

Conditions:
Leigh syndrome (NULS). Also called: Leigh's necrotizing encephalopathy; Leigh's disease; Leigh Syndrome (mtDNA deletion); Leigh Disease; Subacute necrotizing encephalopathy; Necrotizing encephalopathy infantile subacute of Leigh. Identifiers: Orphanet 506, MedGen C2931891, MONDO:0009723, OMIM 256000.

Submission:

Wong Mito Lab, Molecular and Human Genetics, Baylor College of Medicine
Classification: Uncertain significance for Leigh syndrome. Last evaluated: 2019-10-17. Review status: criteria provided, single submitter. Criteria: Modified ACMG Guidelines (Unpublished). Collection method: clinical testing. Allele origin: germline.
Comment: The NC_012920.1:m.3793T>C (YP_003024026.1:p.Ser163Pro) variant in MTND1 gene is interpretated to be a Uncertain Significance variant based on the modified ACMG guidelines (unpublished). This variant meets the following evidence codes: PP7